The following is an entry in ClinVar:

ClinVar aggregate classification (germline): Benign. Review status: criteria provided, multiple submitters, no conflicts (2 of 4 stars). 7 submissions from 6 submitters: Benign (4). 3 of the submissions do not count toward it. Last evaluated 2026-02-04.

Conditions:
UCP3-related disorder. Also called: UCP3-related condition.
Morbid obesity. Also called: OBESITY, SEVERE. Identifiers: MedGen C0028756, MONDO:0005139.
UCP3 POLYMORPHISM, EXON 6 SPLICE DONOR JUNCTION.

Allele frequency attached by ClinVar (database versions not stated): gnomAD 0.02564 and 0.02748; 1000 Genomes Project 0.03295; ExAC 0.00831; ESP Exome Variant Server 0.02803; 1000 Genomes Project 30x 0.03420; gnomAD exomes 0.00657; TOPMed 0.02940.
gnomAD v4.1: 7,720 of 1,594,040 alleles (0.48%); highest among the groups gnomAD compares: African/African-American, 8.9%; 313 homozygotes.

Submissions 1 to 32 of 43:

Labcorp Genetics (formerly Invitae), Labcorp
Classification: Benign. Last evaluated: 2026-02-04. Review status: criteria provided, single submitter. Criteria: Invitae Variant Classification Sherloc (09022015). Collection method: clinical testing. Allele origin: germline.

Department of Pathology and Laboratory Medicine, Sinai Health System
Classification: Benign for UCP3-related condition. Last evaluated: 2023-04-03. Review status: criteria provided, single submitter. Criteria: ACMG Guidelines, 2015. Collection method: research. Allele origin: germline.

GeneDx
Classification: Benign. Last evaluated: 2019-10-09. Review status: criteria provided, single submitter. Criteria: GeneDx Variant Classification Process June 2021. Collection method: clinical testing. Allele origin: germline. Affected: yes.
Comment: This variant is associated with the following publications: (PMID: 9769326, 25525159, 22344438, 10618503)

Breakthrough Genomics
Classification: Benign. Review status: criteria provided, single submitter. Criteria: ACMG Guidelines, 2015. Collection method: not provided. Allele origin: germline. Inheritance: Autosomal recessive inheritance. Affected: yes.

PreventionGenetics, part of Exact Sciences
Classification: Benign for UCP3-related condition. Last evaluated: 2019-04-29. Review status: no assertion criteria provided. Collection method: clinical testing. Allele origin: germline. Not counted in ClinVar's aggregate classification.
Comment: This variant is classified as benign based on ACMG/AMP sequence variant interpretation guidelines (Richards et al. 2015 PMID: 25741868, with internal and published modifications).

OMIM
Classification: Benign for UCP3 POLYMORPHISM, EXON 6 SPLICE DONOR JUNCTION. Last evaluated: 1998-10-01. Review status: no assertion criteria provided. Collection method: literature only. Allele origin: germline. Not counted in ClinVar's aggregate classification.

OMIM
Classification: Pathogenic for OBESITY, SEVERE. Last evaluated: 1998-10-01. Review status: no assertion criteria provided. Collection method: literature only. Allele origin: germline. Not counted in ClinVar's aggregate classification.

Dr. Peter K. Rogan Lab, Western University
No classification provided (evidence only). Condition: Clear cell carcinoma of kidney. Review status: no classification provided. Collection method: in vitro. Allele origin: not applicable. Functional consequence: retained intron. Not counted in ClinVar's aggregate classification.

Dr. Peter K. Rogan Lab, Western University
No classification provided (evidence only). Condition: Clear cell carcinoma of kidney. Review status: no classification provided. Collection method: in vitro. Allele origin: not applicable. Functional consequence: retained intron. Not counted in ClinVar's aggregate classification.

Dr. Peter K. Rogan Lab, Western University
No classification provided (evidence only). Condition: Clear cell carcinoma of kidney. Review status: no classification provided. Collection method: in vitro. Allele origin: not applicable. Functional consequence: retained intron. Not counted in ClinVar's aggregate classification.

Dr. Peter K. Rogan Lab, Western University
No classification provided (evidence only). Condition: Clear cell carcinoma of kidney. Review status: no classification provided. Collection method: in vitro. Allele origin: not applicable. Functional consequence: retained intron. Not counted in ClinVar's aggregate classification.

Dr. Peter K. Rogan Lab, Western University
No classification provided (evidence only). Condition: Lung cancer. Review status: no classification provided. Collection method: in vitro. Allele origin: not applicable. Functional consequence: retained intron. Not counted in ClinVar's aggregate classification.

Dr. Peter K. Rogan Lab, Western University
No classification provided (evidence only). Condition: Lung cancer. Review status: no classification provided. Collection method: in vitro. Allele origin: not applicable. Functional consequence: retained intron. Not counted in ClinVar's aggregate classification.

Dr. Peter K. Rogan Lab, Western University
No classification provided (evidence only). Condition: Lung cancer. Review status: no classification provided. Collection method: in vitro. Allele origin: not applicable. Functional consequence: retained intron. Not counted in ClinVar's aggregate classification.

Dr. Peter K. Rogan Lab, Western University
No classification provided (evidence only). Condition: Melanoma. Review status: no classification provided. Collection method: in vitro. Allele origin: not applicable. Functional consequence: retained intron. Not counted in ClinVar's aggregate classification.

Dr. Peter K. Rogan Lab, Western University
No classification provided (evidence only). Condition: Melanoma. Review status: no classification provided. Collection method: in vitro. Allele origin: not applicable. Functional consequence: retained intron. Not counted in ClinVar's aggregate classification.

Dr. Peter K. Rogan Lab, Western University
No classification provided (evidence only). Condition: Acute myeloid leukemia. Review status: no classification provided. Collection method: in vitro. Allele origin: not applicable. Functional consequence: retained intron. Not counted in ClinVar's aggregate classification.

Dr. Peter K. Rogan Lab, Western University
No classification provided (evidence only). Condition: Acute myeloid leukemia. Review status: no classification provided. Collection method: in vitro. Allele origin: not applicable. Functional consequence: retained intron. Not counted in ClinVar's aggregate classification.

Dr. Peter K. Rogan Lab, Western University
No classification provided (evidence only). Condition: Thyroid cancer, nonmedullary, 1. Review status: no classification provided. Collection method: in vitro. Allele origin: not applicable. Functional consequence: retained intron. Not counted in ClinVar's aggregate classification.

Dr. Peter K. Rogan Lab, Western University
No classification provided (evidence only). Condition: Thyroid cancer, nonmedullary, 1. Review status: no classification provided. Collection method: in vitro. Allele origin: not applicable. Functional consequence: retained intron. Not counted in ClinVar's aggregate classification.

Dr. Peter K. Rogan Lab, Western University
No classification provided (evidence only). Condition: Thyroid cancer, nonmedullary, 1. Review status: no classification provided. Collection method: in vitro. Allele origin: not applicable. Functional consequence: retained intron. Not counted in ClinVar's aggregate classification.

Dr. Peter K. Rogan Lab, Western University
No classification provided (evidence only). Condition: Uterine corpus endometrial carcinoma. Review status: no classification provided. Collection method: in vitro. Allele origin: not applicable. Functional consequence: retained intron. Not counted in ClinVar's aggregate classification.

Dr. Peter K. Rogan Lab, Western University
No classification provided (evidence only). Condition: Uterine corpus endometrial carcinoma. Review status: no classification provided. Collection method: in vitro. Allele origin: not applicable. Functional consequence: retained intron. Not counted in ClinVar's aggregate classification.

Dr. Peter K. Rogan Lab, Western University
No classification provided (evidence only). Condition: Uterine corpus endometrial carcinoma. Review status: no classification provided. Collection method: in vitro. Allele origin: not applicable. Functional consequence: retained intron. Not counted in ClinVar's aggregate classification.

Dr. Peter K. Rogan Lab, Western University
No classification provided (evidence only). Condition: Uterine corpus endometrial carcinoma. Review status: no classification provided. Collection method: in vitro. Allele origin: not applicable. Functional consequence: retained intron. Not counted in ClinVar's aggregate classification.

Dr. Peter K. Rogan Lab, Western University
No classification provided (evidence only). Condition: Uterine corpus endometrial carcinoma. Review status: no classification provided. Collection method: in vitro. Allele origin: not applicable. Functional consequence: retained intron. Not counted in ClinVar's aggregate classification.

Dr. Peter K. Rogan Lab, Western University
No classification provided (evidence only). Condition: Cervical cancer. Review status: no classification provided. Collection method: in vitro. Allele origin: not applicable. Functional consequence: retained intron. Not counted in ClinVar's aggregate classification.

Dr. Peter K. Rogan Lab, Western University
No classification provided (evidence only). Condition: Cervical cancer. Review status: no classification provided. Collection method: in vitro. Allele origin: not applicable. Functional consequence: retained intron. Not counted in ClinVar's aggregate classification.

Dr. Peter K. Rogan Lab, Western University
No classification provided (evidence only). Condition: Cervical cancer. Review status: no classification provided. Collection method: in vitro. Allele origin: not applicable. Functional consequence: retained intron. Not counted in ClinVar's aggregate classification.

Dr. Peter K. Rogan Lab, Western University
No classification provided (evidence only). Condition: Cervical cancer. Review status: no classification provided. Collection method: in vitro. Allele origin: not applicable. Functional consequence: retained intron. Not counted in ClinVar's aggregate classification.

Dr. Peter K. Rogan Lab, Western University
No classification provided (evidence only). Condition: Cervical cancer. Review status: no classification provided. Collection method: in vitro. Allele origin: not applicable. Functional consequence: retained intron. Not counted in ClinVar's aggregate classification.

Dr. Peter K. Rogan Lab, Western University
No classification provided (evidence only). Condition: Cervical cancer. Review status: no classification provided. Collection method: in vitro. Allele origin: not applicable. Functional consequence: retained intron. Not counted in ClinVar's aggregate classification.

NM_003356.4(UCP3):c.824+1G>A

Gene: UCP3 (uncoupling protein 3; minus strand). Cytogenetic location: 11q13.4.
Variant type: single nucleotide variant.
Coding change: c.824+1G>A on transcript NM_003356.4 (MANE Select); the canonical splice donor site of the intron after coding-DNA position 824, G replaced by A.
Molecular consequence: splice donor variant. On other transcripts: synonymous variant (1).
Genome position (GRCh38, 1-based): chr11:74,003,826, C>T on the plus strand (G>A on the coding strand, the complement: UCP3 is on the minus strand). VCF-style: chr11-74003826-C-T. GRCh37 (hg19) VCF-style: chr11-73714871-C-T.
Other names: IVS6, G-A, +1; c.825G>A, p.Gly275= (NM_022803.3).
Identifiers: ClinVar variation 7578 (VCV000007578.20), dbSNP rs45476292, ClinGen allele CA6181353.